The following is an entry in ClinVar:

NM_007294.4(BRCA1):c.5382G>C (p.Glu1794Asp)

Gene: BRCA1 (BRCA1 DNA repair associated; minus strand). Cytogenetic location: 17q21.31.
Variant type: single nucleotide variant.
Coding change: c.5382G>C on transcript NM_007294.4 (MANE Select); coding-DNA position 5382, G replaced by C.
Protein change: p.Glu1794Asp; replaces glutamic acid 1794 with aspartic acid.
Molecular consequence: missense variant. On other transcripts: non-coding transcript variant (1), intron variant (1).
Genome position (GRCh38, 1-based): chr17:43,049,145, C>G on the plus strand (G>C on the coding strand, the complement: BRCA1 is on the minus strand). VCF-style: chr17-43049145-C-G. GRCh37 (hg19) VCF-style: chr17-41201162-C-G.
Other names: c.5169G>C, p.Glu1723Asp (NM_001407571.1, NM_001407894.1, NM_001407895.1 and 12 more transcripts); c.5448G>C, p.Glu1816Asp (NM_001407581.1, NM_001407582.1); c.5445G>C, p.Glu1815Asp (NM_001407583.1, NM_001407585.1, NM_001407587.1 and 1 more transcripts); c.5442G>C, p.Glu1814Asp (NM_001407590.1, NM_001407591.1); c.5382G>C, p.Glu1794Asp (NM_001407593.1, NM_001407594.1, NM_001407596.1 and 5 more transcripts); c.5379G>C, p.Glu1793Asp (NM_001407614.1, NM_001407615.1, NM_001407616.1 and 14 more transcripts); c.5376G>C, p.Glu1792Asp (NM_001407633.1, NM_001407634.1, NM_001407635.1 and 13 more transcripts); c.5304G>C, p.Glu1768Asp (NM_001407655.1, NM_001407652.1, NM_001407653.1 and 1 more transcripts); and 73 more; short protein forms E1794D, E1815D, E690D, E1747D, E1727D, E1746D, E382D, E514D.
Identifiers: ClinVar variation 439444 (VCV000439444.24), dbSNP rs397509275, ClinGen allele CA054799.
Genomic context (GRCh38, chr17:43,049,145, plus strand): 5'-GTGTCCTCCCTCTCTGACAGGGCACCCAATACTTACTGTGCCAAGGGTGAATGATGAAAG[C>G]TCCTTCACCACAGAAGCACCACACAGCTGTACCATCCATTCCAGTTGATCTAAAATGGAC-3'
Protein context (NP_009225.1, residues 1784-1804): VQLCGASVVK[Glu1794Asp]LSSFTLGTGV

ClinVar aggregate classification (germline): Conflicting classifications of pathogenicity. Review status: criteria provided, conflicting classifications (1 of 4 stars). 7 submissions from 7 submitters: Uncertain significance (1); Likely benign (4). 2 of the submissions do not count toward it. Last evaluated 2025-03-31.

Conditions:
Hereditary breast ovarian cancer syndrome. Also called: Hereditary breast and ovarian cancer syndrome (HBOC); BRCA1- and BRCA2-Associated Hereditary Breast and Ovarian Cancer; Hereditary breast and/or ovarian cancer syndrome; Hereditary breast and ovarian cancer syndrome; Hereditary breast and ovarian cancer; Breast and ovarian cancer. Identifiers: Orphanet 145, MedGen C0677776, MeSH D061325, MONDO:0003582. Disease mechanism: loss of function.
Hereditary cancer-predisposing syndrome. Also called: Neoplastic Syndromes, Hereditary; Hereditary neoplastic syndrome; Tumor predisposition; Hereditary Cancer Syndrome. Identifiers: Orphanet 140162, MedGen C0027672, MeSH D009386, MONDO:0015356.
Breast-ovarian cancer, familial, susceptibility to, 1 (BROVCA1). Also called: BRCA1 Hereditary Breast and Ovarian Cancer; OVARIAN CANCER, SUSCEPTIBILITY TO. Identifiers: Orphanet 145, MedGen C2676676, MONDO:0011450, OMIM 604370. Disease mechanism: loss of function.

Allele frequency attached by ClinVar (database versions not stated): TOPMed below 0.00001; ExAC 0.00001; gnomAD exomes 0.00001.
gnomAD v4.1: 10 of 1,614,084 alleles (0.00062%); highest among the groups gnomAD compares: Non-Finnish European, 0.00085%; no homozygotes.

Submissions (8):

Color Diagnostics, LLC DBA Color Health
Classification: Uncertain significance for Hereditary cancer-predisposing syndrome. Last evaluated: 2025-03-31. Review status: criteria provided, single submitter. Criteria: ACMG Guidelines, 2015. Collection method: clinical testing. Allele origin: germline.
Comment: This missense variant replaces glutamic acid with aspartic acid at codon 1794 of the BRCA1 protein, which is a conservative substitution in the BRCT domain. Computational prediction is inconclusive regarding the impact of this variant on protein structure and function. Functional studies have shown that this variant does not impact BRCA1 function (PMID: 30209399, 32546644, 30765603). This variant has been detected in a breast cancer case-control meta-analysis in 2/60466 cases and 0/53461 unaffected individuals (PMID: 33471991; Leiden Open Variation Database DB-ID BRCA1_000467) and also detected in a suspected hereditary breast cancer family (PMID: 10480351). This variant has been identified in 3/251452 chromosomes in the general population by the Genome Aggregation Database (gnomAD). Although there is a suspicion that this variant may not be associated with disease, additional clinical studies are necessary to determine the role of this variant in disease conclusively. Therefore, this variant is classified as a Variant of Uncertain Significance.

Ambry Genetics
Classification: Likely benign for Hereditary cancer-predisposing syndrome. Last evaluated: 2021-06-10. Review status: criteria provided, single submitter. Criteria: Ambry Variant Classification Scheme 2023. Collection method: clinical testing. Allele origin: germline.

Labcorp Genetics (formerly Invitae), Labcorp
Classification: Likely benign for Hereditary breast ovarian cancer syndrome. Last evaluated: 2019-11-23. Review status: criteria provided, single submitter. Criteria: Invitae Variant Classification Sherloc (09022015). Collection method: clinical testing. Allele origin: germline.

Genome Diagnostics Laboratory, University Medical Center Utrecht
Classification: Likely benign for Breast-ovarian cancer, familial, susceptibility to, 1. Last evaluated: 2017-07-28. Review status: criteria provided, single submitter. Criteria: ACGS Guidelines, 2013. Collection method: clinical testing. Allele origin: germline. Affected: yes. Study: VKGL Data-share Consensus.

ARUP Laboratories, Molecular Genetics and Genomics, ARUP Laboratories
Classification: Likely benign. Last evaluated: 2016-12-19. Review status: criteria provided, single submitter. Criteria: ARUP Molecular Germline Variant Investigation Process. Collection method: clinical testing. Allele origin: germline.

Brotman Baty Institute, University of Washington
No classification provided (evidence only). Condition: Breast-ovarian cancer, familial 1. Review status: no classification provided. Collection method: in vitro. Allele origin: not applicable. Functional consequence: functionally_normal. Not counted in ClinVar's aggregate classification.
ClinVar note: "not provided" was previously submitted as the classification for the variant. However, the classification appeared to be based only on an observation of functional data so it was converted to no classification on 2025-07-30.

Diagnostic Laboratory, Department of Genetics, University Medical Center Groningen
Classification: Likely benign for Breast-ovarian cancer, familial, susceptibility to, 1. Review status: no assertion criteria provided. Collection method: clinical testing. Allele origin: germline. Affected: yes. Study: VKGL Data-share Consensus. Not counted in ClinVar's aggregate classification.

Joint Genome Diagnostic Labs from Nijmegen and Maastricht, Radboudumc and MUMC+
Classification: Likely benign. Review status: no assertion criteria provided. Collection method: clinical testing. Allele origin: germline. Affected: yes. Study: VKGL Data-share Consensus. Not counted in ClinVar's aggregate classification.

Literature cited by the submitters: PubMed 10480351 (cited by Color Diagnostics, LLC DBA Color Health); PubMed 30209399 (cited by Color Diagnostics, LLC DBA Color Health); PubMed 30765603 (cited by Color Diagnostics, LLC DBA Color Health); PubMed 32546644 (cited by Color Diagnostics, LLC DBA Color Health); PubMed 33471991 (cited by Color Diagnostics, LLC DBA Color Health).